The following is an entry in ClinVar:

ClinVar aggregate classification (germline): Likely pathogenic (1 of 4 stars; one submission).

Conditions:
Dilated cardiomyopathy 1G (CMD1G). Identifiers: Orphanet 154, MedGen C1858763, MONDO:0011400, OMIM 604145.
Hypertrophic cardiomyopathy 9. Also called: Familial hypertrophic cardiomyopathy 9. Identifiers: MedGen C1861065, MONDO:0013412, OMIM 613765.
Early-onset myopathy with fatal cardiomyopathy (CMYO5). Also called: Salih Myopathy; CONGENITAL MYOPATHY 5 WITH CARDIOMYOPATHY. Identifiers: Orphanet 289377, MedGen C2673677, MONDO:0012714, OMIM 611705. Disease mechanism: loss of function.
Tibial muscular dystrophy (TMD). Also called: Tibial muscular dystrophy, tardive; Udd Distal Myopathy – Tibial Muscular Dystrophy; UDD MYOPATHY. Identifiers: Orphanet 609, MedGen C1838244, MONDO:0010870, OMIM 600334.
Autosomal recessive limb-girdle muscular dystrophy type 2J (LGMDR10). Also called: MUSCULAR DYSTROPHY, LIMB-GIRDLE, AUTOSOMAL RECESSIVE 10; Limb-girdle muscular dystrophy, type 2J. Identifiers: Orphanet 140922, MedGen C1837342, MONDO:0012127, OMIM 608807.
Myopathy, myofibrillar, 9, with early respiratory failure (MFM9). Also called: EDSTROM MYOPATHY; Myopathy, distal, with early respiratory failure, autosomal dominant; Hereditary myopathy with early respiratory failure; MYOPATHY, PROXIMAL, WITH EARLY RESPIRATORY MUSCLE INVOLVEMENT. Identifiers: Orphanet 178464, Orphanet 34521, MedGen C1863599, MONDO:0011362, OMIM 603689.

Submission:

Juno Genomics, Hangzhou Juno Genomics, Inc
Classification: Likely pathogenic for Early-onset myopathy with fatal cardiomyopathy; Dilated cardiomyopathy 1G; Hypertrophic cardiomyopathy 9; Autosomal recessive limb-girdle muscular dystrophy type 2J; Myopathy, myofibrillar, 9, with early respiratory failure; Tibial muscular dystrophy. Review status: criteria provided, single submitter. Criteria: ACMG Guidelines, 2015. Collection method: clinical testing. Allele origin: germline.
Comment: Absent from controls (or at extremely low frequency if recessive) in Genome Aggregation Database.;Null variant in a gene where loss of function (LOF) is a known mechanism of disease.

NM_001267550.2(TTN):c.67256del (p.Glu22419fs)

Genes: TTN (titin; minus strand), TTN-AS1 (TTN antisense RNA 1; plus strand). Cytogenetic location: 2q31.2.
Variant type: Deletion.
Coding change: c.67256del on transcript NM_001267550.2 (MANE Select); coding-DNA position 67256, one base deleted (A; older notation c.67256delA).
Protein change: p.Glu22419fs; shifts the reading frame from glutamic acid 22419.
Molecular consequence: frameshift variant.
Genome position (GRCh38, 1-based): chr2:178,580,031, T deleted on the plus strand (A on the coding strand, the reverse complement: TTN is on the minus strand). VCF-style (leftmost placement, unchanged base first): chr2-178580030-CT-C. GRCh37 (hg19) VCF-style: chr2-179444757-CT-C.
Other names: c.62333del, p.Glu20778fs (NM_001256850.1); c.40061del, p.Glu13354fs (NM_003319.4); c.59552del, p.Glu19851fs (NM_133378.4); c.40436del, p.Glu13479fs (NM_133432.3); c.40637del, p.Glu13546fs (NM_133437.4); short protein forms E13354fs, E13479fs, E13546fs, E19851fs, E20778fs, E22419fs.
Identifiers: ClinVar variation 3381972 (VCV003381972.3).
Genomic context (GRCh38, chr2:178,580,030, plus strand): 5'-GGGATCACCAATGCCATACTCATTTTCAGCAAACACTCGGAAGAAGTAGGATTTTCCCTC[CT>C]CCAAATTAGCTACTCTGAAGCTTGTTTTGGAGCACTCAGTTGTCACTGTAGACCAGGATT-3'